The following is an entry in ClinVar:

ClinVar aggregate classification (germline): Uncertain significance. Review status: criteria provided, multiple submitters, no conflicts (2 of 4 stars). 3 submissions from 3 submitters: Uncertain significance (2). 1 of the submissions does not count toward it. Last evaluated 2025-05-30.

Conditions:
Atypical hemolytic-uremic syndrome. Identifiers: Orphanet 2134, MedGen C2931788, MONDO:0016244.

Allele frequency attached by ClinVar (database versions not stated): ExAC 0.00002; gnomAD exomes 0.00002; TOPMed 0.00002; gnomAD 0.00003 and 0.00004; ESP Exome Variant Server 0.00008; 1000 Genomes Project 30x 0.00016; 1000 Genomes Project 0.00020.
gnomAD v4.1: 29 of 1,613,914 alleles (0.0018%); highest among the groups gnomAD compares: South Asian, 0.0044%; 1 homozygote.

Submissions (3):

Labcorp Genetics (formerly Invitae), Labcorp
Classification: Uncertain significance. Last evaluated: 2025-05-30. Review status: criteria provided, single submitter. Criteria: Invitae Variant Classification Sherloc (09022015). Collection method: clinical testing. Allele origin: germline.
Comment: This sequence change replaces arginine, which is basic and polar, with glutamine, which is neutral and polar, at codon 660 of the ADAMTS13 protein (p.Arg660Gln). This variant is present in population databases (rs117943654, gnomAD 0.004%). This variant has not been reported in the literature in individuals affected with ADAMTS13-related conditions. ClinVar contains an entry for this variant (Variation ID: 988138). An algorithm developed to predict the effect of missense changes on protein structure and function (PolyPhen-2) suggests that this variant is likely to be tolerated. In summary, the available evidence is currently insufficient to determine the role of this variant in disease. Therefore, it has been classified as a Variant of Uncertain Significance.

Women's Health and Genetics/Laboratory Corporation of America, LabCorp
Classification: Uncertain significance. Last evaluated: 2023-10-17. Review status: criteria provided, single submitter. Criteria: LabCorp Variant Classification Summary - May 2015. Collection method: clinical testing. Allele origin: germline.
Comment: Variant summary: ADAMTS13 c.1979G>A (p.Arg660Gln) results in a conservative amino acid change located in the Spacer 1 domain (IPR010294) of the encoded protein sequence. Four of five in-silico tools predict a benign effect of the variant on protein function. The variant allele was found at a frequency of 1.6e-05 in 251316 control chromosomes (gnomAD). The available data on variant occurrences in the general population are insufficient to allow any conclusion about variant significance. To our knowledge, no occurrence of c.1979G>A in individuals affected with Thrombotic Thrombocytopenic Purpura has been reported. Publications reported experimental evidence evaluating different substitutions at the Arg660 residue (alone and together with other substitutions), and demonstrated altered activity for these variants (PMIDs: 19880749, 20075158, 20032502, 30152919), however the Arg660Gln was not evaluated in isolation, therefore these results do not allow convincing conclusions about the variant effect. One submitter has cited clinical-significance assessments for this variant to ClinVar after 2014 and has classified the variant as uncertain significance. Based on the evidence outlined above, the variant was classified as uncertain significance.

Sydney Genome Diagnostics, Children's Hospital Westmead
Classification: Uncertain significance for Atypical hemolytic-uremic syndrome. Last evaluated: 2018-04-05. Review status: no assertion criteria provided. Collection method: clinical testing. Allele origin: unknown. Affected: yes. Observed: 1 variant allele, 1 compound heterozygote. Not counted in ClinVar's aggregate classification.
Comment: To our knowledge, this variant has not been previously reported in the literature or any disease specific databases to be a disease causing variant. This variant has been reported in the gnomAD browser with a low allele frequency of 0.0018% (5 out of 277,124 alleles). In silico analysis of pathogenicity (through Alamut Visual v2.8.1) is inconclusive regarding this change; PolyPhen2 and SIFT predicts it to be likely pathogenic whereas MutationTaster predicts this variant to be benign. This variant is considered to be a variant of uncertain clinical significance (VOUS) according to the ACMG guidelines.

Literature cited by the submitters: PubMed 19880749 (cited by Women's Health and Genetics/Laboratory Corporation of America, LabCorp).

NM_139027.6(ADAMTS13):c.1979G>A (p.Arg660Gln)

Gene: ADAMTS13 (ADAM metallopeptidase with thrombospondin type 1 motif 13; plus strand). Cytogenetic location: 9q34.2.
Variant type: single nucleotide variant.
Coding change: c.1979G>A on transcript NM_139027.6 (MANE Select); coding-DNA position 1979, G replaced by A.
Protein change: p.Arg660Gln; replaces arginine 660 with glutamine.
Molecular consequence: missense variant.
Genome position (GRCh38, 1-based): chr9:133,442,409, G>A. VCF-style: chr9-133442409-G-A. GRCh37 (hg19) VCF-style: chr9-136307530-G-A.
Other names: c.1979G>A, p.Arg660Gln (NM_139025.5); c.1886G>A, p.Arg629Gln (NM_139026.6); short protein forms R629Q, R660Q.
Identifiers: ClinVar variation 988138 (VCV000988138.5), dbSNP rs117943654, ClinGen allele CA200933847.